The following is an entry in ClinVar:

ClinVar aggregate classification (germline): Pathogenic (1 of 4 stars; one submission).

Conditions:
Oocyte maturation defect 4. Also called: OOCYTE/ZYGOTE/EMBRYO MATURATION ARREST 4. Identifiers: MedGen C4540284, MONDO:0021575, OMIM 617743.

Submission:

MVZ Praenatalmedizin und Genetik Nuernberg
Classification: Pathogenic for Oocyte maturation defect 4. Last evaluated: 2022-08-12. Review status: criteria provided, single submitter. Criteria: ACMG Guidelines, 2015. Collection method: clinical testing. Allele origin: germline. Affected: yes.
Comment: This mutation leads to a frameshift in exon 5 of 16. The variant was therefore classified as pathogenic.

NM_001387263.1(PATL2):c.310del (p.Asp104fs)

Gene: PATL2 (PAT1 homolog 2; minus strand). Cytogenetic location: 15q21.1.
Variant type: Deletion.
Coding change: c.310del on transcript NM_001387263.1 (MANE Select); coding-DNA position 310, one base deleted (G; older notation c.310delG).
Protein change: p.Asp104fs; shifts the reading frame from aspartic acid 104.
Molecular consequence: frameshift variant. On other transcripts: 5 prime UTR variant (1).
Genome position (GRCh38, 1-based): chr15:44,673,371, C deleted on the plus strand (G on the coding strand, the reverse complement: PATL2 is on the minus strand); the first of 2 consecutive C bases (chr15:44,673,371-44,673,372); deleting either gives the same sequence. VCF-style (leftmost placement, unchanged base first): chr15-44673370-TC-T. GRCh37 (hg19) VCF-style: chr15-44965568-TC-T.
Other names: c.310del, p.Asp104fs (NM_001145112.2, NM_001387260.1, NM_001387261.1 and 2 more transcripts); c.-341del (NM_001330283.2); short protein forms D104fs.
Identifiers: ClinVar variation 4813494 (VCV004813494.1).
Genomic context (GRCh38, chr15:44,673,370, plus strand): 5'-TGCTGTGCTGGAGAGCTGGTGCTGGGAAATGTAGGCCAGAAAGGGATGGGCGACAGGTAG[TC>T]CAAGGTCTGAGAGAGGAATTAAGAGGTCTGGGAGAACGCCATCTCCACCAAAAGAATGCT-3'